The following is an entry in ClinVar:

ClinVar aggregate classification (germline): Benign/Likely benign. Review status: criteria provided, multiple submitters, no conflicts (2 of 4 stars). 5 submissions from 5 submitters: Benign (1); Likely benign (2). 2 of the submissions do not count toward it. Last evaluated 2025-09-08.

Conditions:
OFD1-related disorder. Also called: OFD1-related condition.
Primary ciliary dyskinesia. Also called: Ciliary dyskinesia. Identifiers: Orphanet 244, MedGen C0008780, MONDO:0016575, HP:0012265.
Joubert syndrome. Also called: JOUBERT-BOLTSHAUSER SYNDROME; Familial aplasia of the vermis. Identifiers: Orphanet 475, MedGen C5979921, MONDO:0018772.
Orofaciodigital syndrome I (OFD1). Also called: OFDS I; Oral-Facial-Digital Syndrome Type I; Papillon-Leage and Psaume Syndrome. Identifiers: Orphanet 2750, MedGen C1510460, MONDO:0010702, OMIM 311200.
Retinal dystrophy. Also called: Inherited retinal dystrophy. Identifiers: Orphanet 71862, MedGen C0854723, MeSH D058499, MONDO:0019118, HP:0000556.

Allele frequency attached by ClinVar (database versions not stated): gnomAD exomes 0.00005 and 0.00008; ExAC 0.00006; gnomAD 0.00006; TOPMed 0.00006; ESP Exome Variant Server 0.00028.

Submissions (5):

Labcorp Genetics (formerly Invitae), Labcorp
Classification: Benign for Orofaciodigital syndrome I; Joubert syndrome. Last evaluated: 2025-09-08. Review status: criteria provided, single submitter. Criteria: Invitae Variant Classification Sherloc (09022015). Collection method: clinical testing. Allele origin: germline.

Blueprint Genetics
Classification: Likely benign. Last evaluated: 2024-08-06. Review status: criteria provided, single submitter. Criteria: ACMG Guidelines, 2015. Collection method: clinical testing. Allele origin: germline.

Ambry Genetics
Classification: Likely benign for Primary ciliary dyskinesia. Last evaluated: 2022-08-17. Review status: criteria provided, single submitter. Criteria: Ambry Variant Classification Scheme 2023. Collection method: clinical testing. Allele origin: germline.

Institute of Human Genetics, Univ. Regensburg, Univ. Regensburg
Classification: Uncertain significance for Retinal dystrophy. Last evaluated: 2023-01-01. Review status: no assertion criteria provided. Criteria: ACMG Guidelines, 2015. Collection method: clinical testing. Allele origin: germline. Affected: yes. Not counted in ClinVar's aggregate classification.

PreventionGenetics, part of Exact Sciences
Classification: Likely benign for OFD1-related condition. Last evaluated: 2020-12-16. Review status: no assertion criteria provided. Collection method: clinical testing. Allele origin: germline. Not counted in ClinVar's aggregate classification.
Comment: This variant is classified as likely benign based on ACMG/AMP sequence variant interpretation guidelines (Richards et al. 2015 PMID: 25741868, with internal and published modifications).

NM_003611.3(OFD1):c.451C>T (p.His151Tyr)

Gene: OFD1 (OFD1 centriole and centriolar satellite protein; plus strand). Cytogenetic location: Xp22.2.
Variant type: single nucleotide variant.
Coding change: c.451C>T on transcript NM_003611.3 (MANE Select); coding-DNA position 451, C replaced by T.
Protein change: p.His151Tyr; replaces histidine 151 with tyrosine.
Molecular consequence: missense variant.
Genome position (GRCh38, 1-based): chrX:13,744,453, C>T. VCF-style: chrX-13744453-C-T. GRCh37 (hg19) VCF-style: chrX-13762572-C-T.
Other names: c.451C>T, p.His151Tyr (NM_001330209.2); c.31C>T, p.His11Tyr (NM_001330210.2); short protein forms H11Y, H151Y.
Identifiers: ClinVar variation 1562604 (VCV001562604.14), dbSNP rs137993158, ClinGen allele CA10351615.